The following is an entry in ClinVar:

ClinVar aggregate classification (germline): Uncertain significance. Review status: criteria provided, multiple submitters, no conflicts (2 of 4 stars). 2 submissions from 2 submitters: Uncertain significance (2). Last evaluated 2025-12-23.

Conditions:
Inborn genetic diseases. Identifiers: MedGen C0950123, MeSH D030342.
Primary ciliary dyskinesia. Also called: Ciliary dyskinesia. Identifiers: Orphanet 244, MedGen C0008780, MONDO:0016575, HP:0012265.

Allele frequency attached by ClinVar (database versions not stated): ExAC 0.00001; TOPMed 0.00001; gnomAD 0.00002; gnomAD exomes 0.00002.
gnomAD v4.1: 34 of 1,614,102 alleles (0.0021%); highest among the groups gnomAD compares: African/African-American, 0.0027%; no homozygotes.

Submissions (2):

Labcorp Genetics (formerly Invitae), Labcorp
Classification: Uncertain significance for Primary ciliary dyskinesia. Last evaluated: 2025-12-23. Review status: criteria provided, single submitter. Criteria: Invitae Variant Classification Sherloc (09022015). Collection method: clinical testing. Allele origin: germline.
Comment: This sequence change replaces valine, which is neutral and non-polar, with isoleucine, which is neutral and non-polar, at codon 625 of the DRC1 protein (p.Val625Ile). This variant is present in population databases (rs780099607, gnomAD 0.002%). This variant has not been reported in the literature in individuals affected with DRC1-related conditions. ClinVar contains an entry for this variant (Variation ID: 2913657). An algorithm developed to predict the effect of missense changes on protein structure and function (PolyPhen-2) suggests that this variant is likely to be disruptive. In summary, the available evidence is currently insufficient to determine the role of this variant in disease. Therefore, it has been classified as a Variant of Uncertain Significance.

Ambry Genetics
Classification: Uncertain significance for Inborn genetic diseases. Last evaluated: 2025-05-01. Review status: criteria provided, single submitter. Criteria: Ambry Variant Classification Scheme 2023. Collection method: clinical testing. Allele origin: germline.

NM_145038.5(DRC1):c.1873G>A (p.Val625Ile)

Gene: DRC1 (dynein regulatory complex subunit 1; plus strand). Cytogenetic location: 2p23.3.
Variant type: single nucleotide variant.
Coding change: c.1873G>A on transcript NM_145038.5 (MANE Select); coding-DNA position 1873, G replaced by A.
Protein change: p.Val625Ile; replaces valine 625 with isoleucine.
Molecular consequence: missense variant.
Genome position (GRCh38, 1-based): chr2:26,453,503, G>A. VCF-style: chr2-26453503-G-A. GRCh37 (hg19) VCF-style: chr2-26676371-G-A.
Other names: c.1873G>A (NM_145038.2); short protein forms V625I.
Identifiers: ClinVar variation 2913657 (VCV002913657.4), dbSNP rs780099607, ClinGen allele CA1562421.